The following is an entry in ClinVar:

ClinVar aggregate classification (germline): Uncertain significance (1 of 4 stars; one submission).

Submission:

Labcorp Genetics (formerly Invitae), Labcorp
Classification: Uncertain significance. Last evaluated: 2021-06-02. Review status: criteria provided, single submitter. Criteria: Invitae Variant Classification Sherloc (09022015). Collection method: clinical testing. Allele origin: germline.
Comment: In summary, the available evidence is currently insufficient to determine the role of this variant in disease. Therefore, it has been classified as a Variant of Uncertain Significance. This variant, c.46_47insCGCTGCTGC, results in the insertion of 3 amino acid(s) to the LRP5 protein (p.Leu15_Leu16insProLeuLeu), but otherwise preserves the integrity of the reading frame. The frequency data for this variant in the population databases is considered unreliable, as metrics indicate insufficient coverage at this position in the ExAC database. This variant has not been reported in the literature in individuals with LRP5-related conditions. Experimental studies and prediction algorithms are not available or were not evaluated, and the functional significance of this variant is currently unknown.

NM_002335.4(LRP5):c.46_47insCGCTGCTGC (p.Leu15_Leu16insProLeuLeu)

Gene: LRP5 (LDL receptor related protein 5; plus strand). Cytogenetic location: 11q13.2.
Variant type: Microsatellite.
Coding change: c.46_47insCGCTGCTGC on transcript NM_002335.4 (MANE Select); coding-DNA positions 46 to 47, CGCTGCTGC inserted.
Protein change: p.Leu15_Leu16insProLeuLeu.
Molecular consequence: inframe insertion. On other transcripts: 5 prime UTR variant (1).
Genome position: GRCh38 VCF-style: chr11-68312752-T-TGCTGCTGCC. GRCh37 (hg19) VCF-style: chr11-68080220-T-TGCTGCTGCC.
Other names: c.-1727_-1720GCT[2]GCCGCTGCTGC[1] (NM_001291902.2).
Identifiers: ClinVar variation 1358496 (VCV001358496.9), dbSNP rs2153110203.